The following is an entry in ClinVar:

ClinVar aggregate classification (germline): Likely pathogenic (1 of 4 stars; one submission).

Conditions:
Infantile-onset ascending hereditary spastic paralysis (IAHSP). Also called: Infantile-Onset Ascending Hereditary Spastic Paralysis (IAHSP); Autosomal Recessive Juvenile Amyotrophic Lateral Sclerosis. Identifiers: Orphanet 293168, MedGen C2931441, MONDO:0011797, OMIM 607225. Disease mechanism: loss of function.

Submission:

Labcorp Genetics (formerly Invitae), Labcorp
Classification: Likely pathogenic for Infantile-onset ascending hereditary spastic paralysis. Last evaluated: 2016-05-27. Review status: criteria provided, single submitter. Criteria: Invitae Variant Classification Sherloc (09022015). Collection method: clinical testing. Allele origin: germline.
Comment: For these reasons, this variant has been classified as Likely Pathogenic. While this particular variant has not been reported in the literature, truncating variants in ALS2 are known to be pathogenic (PMID: 24315819). This sequence change affects an acceptor splice site in intron 8 of the ALS2 gene. It is expected to disrupt mRNA splicing and likely results in an absent or disrupted protein product.

Literature cited by the submitters: PubMed 24315819.

NM_020919.4(ALS2):c.1816-1G>A

Gene: ALS2 (alsin Rho guanine nucleotide exchange factor ALS2; minus strand). Cytogenetic location: 2q33.1.
Variant type: single nucleotide variant.
Coding change: c.1816-1G>A on transcript NM_020919.4 (MANE Select); the canonical splice acceptor site of the intron before coding-DNA position 1816, G replaced by A.
Molecular consequence: splice acceptor variant.
Genome position (GRCh38, 1-based): chr2:201,746,749, C>T on the plus strand (G>A on the coding strand, the complement: ALS2 is on the minus strand). VCF-style: chr2-201746749-C-T. GRCh37 (hg19) VCF-style: chr2-202611472-C-T.
Other names: c.1816-1G>A (NM_001410975.1).
Identifiers: ClinVar variation 412209 (VCV000412209.7), dbSNP rs1060503672, ClinGen allele CA16610691.
Genomic context (GRCh38, chr2:201,746,749, plus strand): 5'-TAAAAACAGGGAATAATCCCTGCCTGCAGCTATGCTCCAGACTCCATTTTCACTGCTTAT[C>T]TGCAACGACAGAAAGATAGTGTCTGTCCAAGATAAAGGCAATCAGAGAGAACTTCGGATC-3'